The following is an entry in ClinVar:

ClinVar aggregate classification (germline): Uncertain significance. Review status: criteria provided, multiple submitters, no conflicts (2 of 4 stars). 2 submissions from 2 submitters: Uncertain significance (2). Last evaluated 2025-09-04.

Conditions:
CHARGE syndrome (CHARGE). Also called: Hittner Hirsch Kreh syndrome; CHARGE ASSOCIATION--COLOBOMA, HEART ANOMALY, CHOANAL ATRESIA, RETARDATION, GENITAL AND EAR ANOMALIES; Coloboma, heart anomaly, choanal atresia, retardation, genital and ear anomalies; CHARGE association; Hall-Hittner syndrome. Identifiers: Orphanet 138, MedGen C0265354, MONDO:0008965.
Inborn genetic diseases. Identifiers: MedGen C0950123, MeSH D030342.

Allele frequency attached by ClinVar (database versions not stated): gnomAD exomes below 0.00001.
gnomAD v4.1: 5 of 1,613,728 alleles (0.00031%); highest among the groups gnomAD compares: Non-Finnish European, 0.00042%; no homozygotes.

Submissions (2):

Labcorp Genetics (formerly Invitae), Labcorp
Classification: Uncertain significance for CHARGE syndrome. Last evaluated: 2025-09-04. Review status: criteria provided, single submitter. Criteria: Invitae Variant Classification Sherloc (09022015). Collection method: clinical testing. Allele origin: germline.
Comment: This sequence change replaces arginine, which is basic and polar, with glutamine, which is neutral and polar, at codon 1592 of the CHD7 protein (p.Arg1592Gln). This variant is present in population databases (no rsID available, gnomAD 0.0009%). This variant has not been reported in the literature in individuals affected with CHD7-related conditions. ClinVar contains an entry for this variant (Variation ID: 1378160). Invitae Evidence Modeling of protein sequence and biophysical properties (such as structural, functional, and spatial information, amino acid conservation, physicochemical variation, residue mobility, and thermodynamic stability) indicates that this missense variant is expected to disrupt CHD7 protein function with a positive predictive value of 95%. In summary, the available evidence is currently insufficient to determine the role of this variant in disease. Therefore, it has been classified as a Variant of Uncertain Significance.

Ambry Genetics
Classification: Uncertain significance for Inborn genetic diseases. Last evaluated: 2025-06-16. Review status: criteria provided, single submitter. Criteria: Ambry Variant Classification Scheme 2023. Collection method: clinical testing. Allele origin: germline.

NM_017780.4(CHD7):c.4775G>A (p.Arg1592Gln)

Gene: CHD7 (chromodomain helicase DNA binding protein 7; plus strand). Cytogenetic location: 8q12.2.
Variant type: single nucleotide variant.
Coding change: c.4775G>A on transcript NM_017780.4 (MANE Select); coding-DNA position 4775, G replaced by A.
Protein change: p.Arg1592Gln; replaces arginine 1592 with glutamine.
Molecular consequence: missense variant. On other transcripts: intron variant (1).
Genome position (GRCh38, 1-based): chr8:60,841,977, G>A. VCF-style: chr8-60841977-G-A. GRCh37 (hg19) VCF-style: chr8-61754536-G-A.
Other names: c.4775G>A (NM_017780.3); c.1717-20252G>A (NM_001316690.1); short protein forms R1592Q.
Identifiers: ClinVar variation 1378160 (VCV001378160.9), dbSNP rs1388750390, ClinGen allele CA371319449.